The following is an entry in ClinVar:

NM_000282.4(PCCA):c.820G>A (p.Val274Ile)

Gene: PCCA (propionyl-CoA carboxylase subunit alpha; plus strand). Cytogenetic location: 13q32.3.
Variant type: single nucleotide variant.
Coding change: c.820G>A on transcript NM_000282.4 (MANE Select); coding-DNA position 820, G replaced by A.
Protein change: p.Val274Ile; replaces valine 274 with isoleucine.
Molecular consequence: missense variant. On other transcripts: 5 prime UTR variant (3), non-coding transcript variant (5).
Genome position (GRCh38, 1-based): chr13:100,268,689, G>A. VCF-style: chr13-100268689-G-A. GRCh37 (hg19) VCF-style: chr13-100920943-G-A.
Other names: c.742G>A, p.Val248Ile (NM_001127692.3, NM_001352607.2, NM_001352608.2); c.820G>A, p.Val274Ile (NM_001178004.2, NM_001352605.2, NM_001352606.2 and 1 more transcripts); c.-126G>A (NM_001352610.2, NM_001352611.2, NM_001352612.2); short protein forms V248I, V274I.
Identifiers: ClinVar variation 1440326 (VCV001440326.6), dbSNP rs767299022, ClinGen allele CA7033413.

ClinVar aggregate classification (germline): Uncertain significance (1 of 4 stars; one submission).

Conditions:
Propionic acidemia (PROP). Also called: GLYCINEMIA, KETOTIC; HYPERGLYCINEMIA WITH KETOACIDOSIS AND LEUKOPENIA; KETOTIC HYPERGLYCINEMIA. Identifiers: Orphanet 35, MedGen C0268579, MONDO:0011628, OMIM 606054, HP:0003571.

Allele frequency attached by ClinVar (database versions not stated): gnomAD exomes below 0.00001; ExAC 0.00001.
gnomAD v4.1: 3 of 1,609,828 alleles (0.00019%); highest among the groups gnomAD compares: South Asian, 0.0011%; no homozygotes.

Submission:

Labcorp Genetics (formerly Invitae), Labcorp
Classification: Uncertain significance for Propionic acidemia. Last evaluated: 2024-04-08. Review status: criteria provided, single submitter. Criteria: Invitae Variant Classification Sherloc (09022015). Collection method: clinical testing. Allele origin: germline.
Comment: This sequence change replaces valine, which is neutral and non-polar, with isoleucine, which is neutral and non-polar, at codon 274 of the PCCA protein (p.Val274Ile). This variant is present in population databases (rs767299022, gnomAD 0.003%). This variant has not been reported in the literature in individuals affected with PCCA-related conditions. ClinVar contains an entry for this variant (Variation ID: 1440326). Algorithms developed to predict the effect of missense changes on protein structure and function output the following: SIFT: "Not Available"; PolyPhen-2: "Benign"; Align-GVGD: "Not Available". The isoleucine amino acid residue is found in multiple mammalian species, which suggests that this missense change does not adversely affect protein function. In summary, the available evidence is currently insufficient to determine the role of this variant in disease. Therefore, it has been classified as a Variant of Uncertain Significance.